The following is an entry in ClinVar:

NM_001136191.3(KANK2):c.1661C>T (p.Ala554Val)

Gene: KANK2 (KN motif and ankyrin repeat domains 2; minus strand). Cytogenetic location: 19p13.2.
Variant type: single nucleotide variant.
Coding change: c.1661C>T on transcript NM_001136191.3 (MANE Select); coding-DNA position 1661, C replaced by T.
Protein change: p.Ala554Val; replaces alanine 554 with valine.
Molecular consequence: missense variant.
Genome position (GRCh38, 1-based): chr19:11,176,677, G>A on the plus strand (C>T on the coding strand, the complement: KANK2 is on the minus strand). VCF-style: chr19-11176677-G-A. GRCh37 (hg19) VCF-style: chr19-11287353-G-A.
Other names: p.Ala554Val; c.1661C>T, p.Ala554Val (NM_001329451.2, NM_001379555.1, NM_001379556.1 and 7 more transcripts); c.1685C>T, p.Ala562Val (NM_001379548.1, NM_001379549.1, NM_001379550.1 and 5 more transcripts); short protein forms A554V, A562V.
Identifiers: ClinVar variation 1549658 (VCV001549658.11), dbSNP rs111476305, ClinGen allele CA9205576.

ClinVar aggregate classification (germline): Benign/Likely benign. Review status: criteria provided, multiple submitters, no conflicts (2 of 4 stars). 4 submissions from 4 submitters: Benign (2); Likely benign (2). Last evaluated 2026-01-12.

Allele frequency attached by ClinVar (database versions not stated): gnomAD exomes 0.00053 and 0.00122; ESP Exome Variant Server 0.00062; gnomAD 0.00093 and 0.00107; TOPMed 0.00117; ExAC 0.00134; 1000 Genomes Project 0.00280; 1000 Genomes Project 30x 0.00281.
gnomAD v4.1: 950 of 1,613,420 alleles (0.059%); highest among the groups gnomAD compares: East Asian, 1.5%; 7 homozygotes.

Submissions (4):

Labcorp Genetics (formerly Invitae), Labcorp
Classification: Benign. Last evaluated: 2026-01-12. Review status: criteria provided, single submitter. Criteria: Invitae Variant Classification Sherloc (09022015). Collection method: clinical testing. Allele origin: germline.

Mayo Clinic Laboratories, Mayo Clinic
Classification: Likely benign. Last evaluated: 2025-10-23. Review status: criteria provided, single submitter. Criteria: ACMG Guidelines, 2015. Collection method: clinical testing. Allele origin: germline. Observed: 1 variant allele.
Comment: BS1, BP4

Blueprint Genetics
Classification: Likely benign. Last evaluated: 2024-11-25. Review status: criteria provided, single submitter. Criteria: ACMG Guidelines, 2015. Collection method: clinical testing. Allele origin: germline.

Breakthrough Genomics
Classification: Benign. Review status: criteria provided, single submitter. Criteria: ACMG Guidelines, 2015. Collection method: not provided. Allele origin: germline. Inheritance: Autosomal recessive inheritance. Affected: yes.